The following is an entry in ClinVar:

NM_001382567.1(STIM1):c.148C>T (p.Arg50Ter)

Gene: STIM1 (stromal interaction molecule 1; plus strand). Cytogenetic location: 11p15.4.
Variant type: single nucleotide variant.
Coding change: c.148C>T on transcript NM_001382567.1 (MANE Select); coding-DNA position 148, C replaced by T.
Protein change: p.Arg50Ter; replaces arginine 50 with a stop codon.
Molecular consequence: nonsense. On other transcripts: 5 prime UTR variant (8), non-coding transcript variant (3), intron variant (4).
Genome position (GRCh38, 1-based): chr11:3,967,560, C>T. VCF-style: chr11-3967560-C-T. GRCh37 (hg19) VCF-style: chr11-3988790-C-T.
Other names: c.-75C>T (NM_001382578.1, NM_001382579.1, NM_001382566.1 and 5 more transcripts); c.148C>T, p.Arg50Ter (NM_003156.4, NM_001277961.3, NM_001277962.2 and 3 more transcripts); c.-219-56313C>T (NM_001382580.1, NM_001382581.1); c.136-56313C>T (NM_001382569.1); c.-98-56313C>T (NM_001382571.1); short protein forms R50*.
Identifiers: ClinVar variation 4532276 (VCV004532276.2).
Genomic context (GRCh38, chr11:3,967,560, plus strand): 5'-AGGTTCTGGGTGGCAGCTCTGAGTAATTTTGTCTCTTGCTTTTCTTACACAGAGTTTTGC[C>T]GAATTGACAAGCCCCTGTGTCACAGTGAGGATGAGAAACTCAGCTTCGAGGCAGTCCGTA-3'

ClinVar aggregate classification (germline): Pathogenic/Likely pathogenic. Review status: criteria provided, multiple submitters, no conflicts (2 of 4 stars). 2 submissions from 2 submitters: Pathogenic (1); Likely pathogenic (1). Last evaluated 2025-12-06.

Conditions:
Combined immunodeficiency due to STIM1 deficiency. Also called: STIM1 DEFICIENCY; IMMUNODEFICIENCY 10. Identifiers: Orphanet 169090, Orphanet 317430, MedGen C2748557, MONDO:0013008, OMIM 612783.
Stormorken syndrome (STRMK). Also called: THROMBOCYTOPATHY, ASPLENIA, AND MIOSIS. Identifiers: Orphanet 3204, MedGen C1861451, MONDO:0008497, OMIM 185070.
Myopathy with tubular aggregates (TAM). Also called: Tubular Aggregate Myopathy. Identifiers: Orphanet 2593, MedGen C0410207, MONDO:0008051.

gnomAD v4.1: 4 of 1,614,034 alleles (0.00025%); highest among the groups gnomAD compares: Non-Finnish European, 0.00034%; no homozygotes.

Submissions (2):

Labcorp Genetics (formerly Invitae), Labcorp
Classification: Pathogenic for Myopathy with tubular aggregates; Combined immunodeficiency due to STIM1 deficiency; Stormorken syndrome. Last evaluated: 2025-12-06. Review status: criteria provided, single submitter. Criteria: Invitae Variant Classification Sherloc (09022015). Collection method: clinical testing. Allele origin: germline.
Comment: This sequence change creates a premature translational stop signal (p.Arg50*) in the STIM1 gene. It is expected to result in an absent or disrupted protein product. Loss-of-function variants in STIM1 are known to be pathogenic (PMID: 19420366, 20876309). This variant is not present in population databases (gnomAD no frequency). This variant has not been reported in the literature in individuals affected with STIM1-related conditions. For these reasons, this variant has been classified as Pathogenic.

Department of Pediatrics, GMC Srinagar, Government Medical College Srinagar
Classification: Likely pathogenic for Combined immunodeficiency due to STIM1 deficiency. Last evaluated: 2025-11-26. Review status: criteria provided, single submitter. Criteria: ACMG Guidelines, 2015. Collection method: clinical testing. Allele origin: biparental. Inheritance: Autosomal recessive inheritance. Affected: yes. Observed: 1 homozygote.
Comment: This variant (hg38 - chr11:3967560 C>T) is classified as likely pathogenic as it a stop-gain variant (LOF is mechanism of disease, NMD is predicted) and is extremely rare in population databases [e.g., gnomAD v.4.1.0: overall (exomes+genomes) allele count of 4 (AF: 0.000002478)]. Indication for testing: Syndromic combined immunodeficiency, primary immune dysregulatory disorder.

Literature cited by the submitters: PubMed 19420366 (cited by Labcorp Genetics (formerly Invitae), Labcorp); PubMed 20876309 (cited by Labcorp Genetics (formerly Invitae), Labcorp).